The following is an entry in ClinVar:

ClinVar aggregate classification (germline): Uncertain significance (1 of 4 stars; one submission).

Allele frequency attached by ClinVar (database versions not stated): gnomAD 0.00001.

Submission:

Labcorp Genetics (formerly Invitae), Labcorp
Classification: Uncertain significance. Last evaluated: 2023-09-05. Review status: criteria provided, single submitter. Criteria: Invitae Variant Classification Sherloc (09022015). Collection method: clinical testing. Allele origin: germline.
Comment: In summary, the available evidence is currently insufficient to determine the role of this variant in disease. Therefore, it has been classified as a Variant of Uncertain Significance. Algorithms developed to predict the effect of sequence changes on RNA splicing suggest that this variant is not likely to affect RNA splicing. This variant has not been reported in the literature in individuals affected with KLF11-related conditions. This variant is not present in population databases (gnomAD no frequency). This sequence change affects codon 419 of the KLF11 mRNA. It is a 'silent' change, meaning that it does not change the encoded amino acid sequence of the KLF11 protein. It affects a nucleotide within the consensus splice site.

NM_003597.5(KLF11):c.1257A>G (p.Thr419=)

Gene: KLF11 (KLF transcription factor 11; plus strand). Cytogenetic location: 2p25.1.
Variant type: single nucleotide variant.
Coding change: c.1257A>G on transcript NM_003597.5 (MANE Select); coding-DNA position 1257, A replaced by G.
Protein change: p.Thr419=; no amino-acid change (threonine 419 retained).
Molecular consequence: synonymous variant.
Genome position (GRCh38, 1-based): chr2:10,048,594, A>G. VCF-style: chr2-10048594-A-G. GRCh37 (hg19) VCF-style: chr2-10188721-A-G.
Other names: c.1206A>G, p.Thr402= (NM_001177716.2, NM_001177718.2).
Identifiers: ClinVar variation 2784443 (VCV002784443.3), dbSNP rs1661309100, ClinGen allele CA424803136.
Genomic context (GRCh38, chr2:10,048,594, plus strand): 5'-AGGTTGCCGGAAGACCTACTTCAAAAGTTCCCACCTTAAGGCCCATCTTCGCACTCACAC[A>G]GGTAAGCGCTGGGGCAGGTGGGGCATTGGGCACACCAGACCCTGTGGTTAGGAAGCACAC-3'
Protein context (NP_003588.1, residues 409-429): SHLKAHLRTH[Thr419=]GEKPFNCSWD